The following is an entry in ClinVar:

ClinVar aggregate classification (germline): Uncertain significance (1 of 4 stars; one submission).

Conditions:
Isolated microphthalmia 5. Also called: Posterior Microphthalmia with Retinitis Pigmentosa, Foveoschisis, and Optic Disc Drusen. Identifiers: Orphanet 251279, MedGen C1970236, MONDO:0012605, OMIM 611040.

Allele frequency attached by ClinVar (database versions not stated): TOPMed below 0.00001; gnomAD 0.00001; ExAC 0.00002; gnomAD exomes below 0.00001 and 0.00001.
gnomAD v4.1: 2 of 1,613,882 alleles (0.00012%); highest among the groups gnomAD compares: East Asian, 0.0045%; no homozygotes.

Submission:

Labcorp Genetics (formerly Invitae), Labcorp
Classification: Uncertain significance for Isolated microphthalmia 5. Last evaluated: 2022-10-25. Review status: criteria provided, single submitter. Criteria: Invitae Variant Classification Sherloc (09022015). Collection method: clinical testing. Allele origin: germline.
Comment: This variant has not been reported in the literature in individuals affected with MFRP-related conditions. This variant is present in population databases (rs765718079, gnomAD 0.02%). This sequence change replaces phenylalanine, which is neutral and non-polar, with serine, which is neutral and polar, at codon 265 of the MFRP protein (p.Phe265Ser). ClinVar contains an entry for this variant (Variation ID: 1350744). In summary, the available evidence is currently insufficient to determine the role of this variant in disease. Therefore, it has been classified as a Variant of Uncertain Significance. Advanced modeling of protein sequence and biophysical properties (such as structural, functional, and spatial information, amino acid conservation, physicochemical variation, residue mobility, and thermodynamic stability) performed at Invitae indicates that this missense variant is expected to disrupt MFRP protein function.

NM_031433.4(MFRP):c.794T>C (p.Phe265Ser)

Genes: C1QTNF5 (C1q and TNF related 5; minus strand), MFRP (membrane frizzled-related protein; minus strand). Cytogenetic location: 11q23.3.
Variant type: single nucleotide variant.
Coding change: c.794T>C on transcript NM_031433.4 (MANE Select); coding-DNA position 794, T replaced by C.
Protein change: p.Phe265Ser; replaces phenylalanine 265 with serine.
Molecular consequence: missense variant. On other transcripts: 5 prime UTR variant (1).
Genome position (GRCh38, 1-based): chr11:119,344,736, A>G on the plus strand (T>C on the coding strand, the complement: MFRP is on the minus strand). VCF-style: chr11-119344736-A-G. GRCh37 (hg19) VCF-style: chr11-119215446-A-G.
Other names: c.-1843T>C (NM_015645.5); short protein forms F265S.
Identifiers: ClinVar variation 1350744 (VCV001350744.6), dbSNP rs765718079, ClinGen allele CA6320387.